The following continues an entry in ClinVar:

NM_000059.4(BRCA2):c.5946del (p.Ser1982fs)

Gene: BRCA2. ClinVar aggregate classification (germline): Pathogenic. Pathogenic (1).

Submissions 48 to 67 of 88:

Rady Children's Institute for Genomic Medicine, Rady Children's Hospital San Diego
Classification: Pathogenic for Cancer Syndrome, Hereditary. Last evaluated: 2018-08-14. Review status: criteria provided, single submitter. Criteria: ACMG Guidelines, 2015. Collection method: clinical testing. Allele origin: germline. Affected: yes. Observed: 1 variant allele. Not counted in ClinVar's aggregate classification.
Comment: This variant is also known as c.6174delT using alternate nomenclature. This variant is known as a founder mutation in the Ashkenazi Jewish population (PMID: 20301425) and has been previously reported as a heterozygous change in multiple individuals with a personal or family history of breast and/or ovarian cancer, among other types of cancer (PMID: 20301425, 29084914, 29433453, 2644092, 29321669, 28767289). Based on the available evidence, the c.5946delT (p.Ser1982ArgfsTer22) variant is classified as pathogenic.

Mendelics
Classification: Pathogenic for Hereditary breast and ovarian cancer syndrome. Last evaluated: 2018-07-02. Review status: criteria provided, single submitter. Criteria: Mendelics Assertion Criteria 2017. Collection method: clinical testing. Allele origin: unknown. Not counted in ClinVar's aggregate classification.

Equipe Genetique des Anomalies du Developpement, Université de Bourgogne
Classification: Pathogenic for Breast-ovarian cancer, familial, susceptibility to, 2. Last evaluated: 2017-11-07. Review status: criteria provided, single submitter. Criteria: ACMG Guidelines, 2015. Collection method: clinical testing. Allele origin: unknown. Affected: no. Study: Clinvar_gadteam_Clinical_exome_analysis_3. Not counted in ClinVar's aggregate classification.

Institute for Biomarker Research, Medical Diagnostic Laboratories, L.L.C.
Classification: Pathogenic for Hereditary cancer-predisposing syndrome. Last evaluated: 2017-07-12. Review status: criteria provided, single submitter. Criteria: ACMG Guidelines, 2015. Collection method: clinical testing. Allele origin: germline. Not counted in ClinVar's aggregate classification.

Human Genome Sequencing Center Clinical Lab, Baylor College of Medicine
Classification: Pathogenic for Breast-ovarian cancer, familial, susceptibility to, 2. Last evaluated: 2017-05-24. Review status: criteria provided, single submitter. Criteria: ACMG Guidelines, 2015. Collection method: clinical testing. Allele origin: germline. Not counted in ClinVar's aggregate classification.
Comment: The c.5946del (p.Ser1982Argfs*22) variant has been detected in a multiple patients with breast and ovarian cancer [reported as c.6174del in PMID 8673091, 23633455, 22006311, 21324516, 22430266]. The variant was also detected in patients with prostate cancer [PMID 19188187, 20736950] and pancreatic ductal adenocarcinoma [PMID 23658460]. This variant is associated with a cancer risk of 50-43% and 18-20% risk for breast and ovarian cancer respectively by age 70 [PMID 9145676,15994883]. In vitro assays showed that this variant leads to a loss of function of the protein [PMID 15695382]. This variant has been reported in 32 non-Finnish Europeans from the ExAC database. This c.5946del (p.Ser1982Argfs*22) variant occurs at high frequency in the Ashkenazi Jewish population and is considered a founder mutation in this population. This variant is thus classified as pathogenic.[leduc, 2017-03-07]

Illumina Laboratory Services, Illumina
Classification: Pathogenic for BRCA2-Related Disorders. Last evaluated: 2017-04-28. Review status: criteria provided, single submitter. Criteria: ICSL Variant Classification Criteria 09 May 2019. Collection method: clinical testing. Allele origin: germline. Not counted in ClinVar's aggregate classification.
Comment: The BRCA2 c.5946delT (p.Ser1982ArgfsTer22) variant, more commonly known as c.6174delT, results in a frameshift and premature termination of the protein. The p.Ser1982ArgfsTer22 variant is a well-described founder variant in the BRCA2 gene that is prevalent in the Ashkenazi Jewish and Icelandic populations, with a carrier frequency of ~1.5% (Roa et al. 1996; Neuhausen et al. 1996). The variant has been shown to occur in approximately eight percent of women diagnosed with breast cancer before the age of 42 years (Neuhausen et al. 1996; Oddoux et al. 1996; Petrucelli et al. 2010; Finkelman et al. 2012). By the age of 70, 43% of individuals who carry this variant are predicted to develop breast cancer and 20% are predicted to develop ovarian cancer (Struewing et al. 1997; King et al. 2003). Across a selection of the literature, the p.Ser1982ArgfsTer22 variant has been identified in 55 of 1,272 (4%) individuals with breast cancer, 44 of 382 (11.5%) individuals with ovarian cancer, and at least 118 of 9,658 (1.2%) Ashkenazi Jewish individuals from the general population (Couch et al. 1996; Roa et al. 1996; Neuhausen et al. 1996; Oddoux et al. 1996; Struewing et al. 1997; Satagopan et al. 2002; King et al. 2003). Additionally, the p.Ser1982ArgfsTer22 variant has been identified in a compound heterozygous state in four individuals, including two cousins, with Fanconi anemia and brain tumors from three different Ashkenazi Jewish families (Offit et al. 2003; Alter et al. 2007). The p.Ser1982ArgfsTer22 variant was absent from at least 1,726 non-Ashkenazi Jewish controls and is reported at a frequency of 0.00048 in the European (non-Finnish) population of the Exome Aggregation Consortium. Functional studies demonstrated decreased cell viability and survival in carriers of the p.Ser1982ArgfsTer22 variant (Wu et al. 2005). The variant protein was shown to be localized in the cytoplasm and not in the nucleus. The p.Ser1982ArgfsTer22 variant is predicted to result in truncation of approximately 41% of the BRCA2 protein, which would remove two signals required for nuclear localization and represents a likely mode of pathogenicity for the variant (Spain et al. 1999). In a study in mouse embryonic stem cells, the p.Ser1982ArgfsTer22 variant failed to rescue the loss of endogenous BRCA2 (Kuznetsov et al. 2008). Based on the collective evidence, the p.Ser1982ArgfsTer22 variant is classified as pathogenic for BRCA2-related disorders. This variant was observed by ICSL as part of a predisposition screen in an ostensibly healthy population.

Eurofins Ntd Llc (ga)
Classification: Pathogenic. Last evaluated: 2017-02-03. Review status: criteria provided, single submitter. Criteria: EGL Classification Definitions 2015. Collection method: clinical testing. Allele origin: germline. Observed: 5 variant alleles, 5 heterozygotes. Not counted in ClinVar's aggregate classification.

Genetic Services Laboratory, University of Chicago
Classification: Pathogenic for {Breast-ovarian cancer, familial, 2}. Last evaluated: 2016-05-16. Review status: criteria provided, single submitter. Criteria: ACMG Guidelines, 2015. Collection method: clinical testing. Allele origin: germline. Affected: yes. Not counted in ClinVar's aggregate classification.

Fulgent Genetics
Classification: Pathogenic for Breast-ovarian cancer, familial, susceptibility to, 2. Last evaluated: 2016-02-12. Review status: criteria provided, single submitter. Criteria: ACMG Guidelines, 2015. Collection method: clinical testing. Allele origin: unknown. Not counted in ClinVar's aggregate classification.

Consortium of Investigators of Modifiers of BRCA1/2 (CIMBA), c/o University of Cambridge
Classification: Pathogenic for Breast-ovarian cancer, familial, susceptibility to, 2. Last evaluated: 2015-10-02. Review status: criteria provided, single submitter. Criteria: CIMBA Mutation Classification guidelines May 2016. Collection method: clinical testing. Allele origin: germline. Not counted in ClinVar's aggregate classification.

Clinical Genetics DNA and cytogenetics Diagnostics Lab, Erasmus MC, Erasmus Medical Center
Classification: Pathogenic for Breast-ovarian cancer, familial, susceptibility to, 2. Last evaluated: 2015-09-21. Review status: criteria provided, single submitter. Criteria: ACGS Guidelines, 2013. Collection method: clinical testing. Allele origin: germline. Affected: yes. Study: VKGL Data-share Consensus. Not counted in ClinVar's aggregate classification.

Department of Medical Genetics, Oslo University Hospital
Classification: Pathogenic for Breast-ovarian cancer, familial, susceptibility to, 2. Last evaluated: 2015-07-01. Review status: criteria provided, single submitter. Criteria: ACMG Guidelines, 2015. Collection method: clinical testing. Allele origin: germline. Affected: yes. Observed: 11 variant alleles. Not counted in ClinVar's aggregate classification.

Molecular Genetics Laboratory, University of Michigan
Classification: Pathogenic for Breast-ovarian cancer, familial, susceptibility to, 2. Last evaluated: 2014-11-03. Review status: criteria provided, single submitter. Criteria: ACMG Guidelines, 2015. Collection method: clinical testing. Allele origin: germline. Affected: yes. Not counted in ClinVar's aggregate classification.

Clinical Genetics and Genomics, Karolinska University Hospital
Classification: Pathogenic. Last evaluated: 2014-08-07. Review status: criteria provided, single submitter. Criteria: ACMG Guidelines, 2015. Collection method: clinical testing. Allele origin: germline. Affected: yes. Observed: 17 variant alleles. Not counted in ClinVar's aggregate classification.

Clinical and Functional Genomics Group, A.C.Camargo Cancer Center
Classification: Pathogenic for Breast Cancer. Review status: criteria provided, single submitter. Criteria: Silva et al. (BMC Med Genet. 2014). Collection method: research. Allele origin: germline. Affected: yes. Not counted in ClinVar's aggregate classification.

Genesis Genomics
Classification: Pathogenic for Breast-ovarian cancer, familial, susceptibility to, 2. Review status: criteria provided, single submitter. Criteria: ACMG Guidelines, 2015. Collection method: clinical testing. Allele origin: germline. Affected: yes. Observed: 1 variant allele. Not counted in ClinVar's aggregate classification.

Hadassah Hebrew University Medical Center
Classification: Pathogenic for Breast-ovarian cancer, familial, susceptibility to, 2. Review status: criteria provided, single submitter. Criteria: ACMG Guidelines, 2015. Collection method: research. Allele origin: germline. Affected: no. Observed: 1 variant allele. Not counted in ClinVar's aggregate classification.

University Health Network, Familial Cancer Clinic, Princess Margaret Cancer Centre
Classification: Pathogenic for BRCA2-related cancer predisposition. Review status: criteria provided, single submitter. Criteria: ACMG Guidelines, 2015. Collection method: clinical testing. Allele origin: germline. Inheritance: Autosomal dominant inheritance. Affected: yes. Observed: 1 variant allele. Not counted in ClinVar's aggregate classification.

CZECANCA consortium
Classification: Pathogenic for Endometrial carcinoma. Last evaluated: 2023-02-21. Review status: no assertion criteria provided. Collection method: clinical testing. Allele origin: germline. Affected: yes. Observed: 1 variant allele. Not counted in ClinVar's aggregate classification.

BRCAlab, Lund University
Classification: Pathogenic for Breast-ovarian cancer, familial, susceptibility to, 2. Last evaluated: 2022-08-26. Review status: no assertion criteria provided. Collection method: clinical testing. Allele origin: germline. Affected: yes. Not counted in ClinVar's aggregate classification.